The following is an entry in ClinVar:

NM_003036.4(SKI):c.535A>C (p.Lys179Gln)

Gene: SKI (SKI proto-oncogene; plus strand). Cytogenetic location: 1p36.33.
Variant type: single nucleotide variant.
Coding change: c.535A>C on transcript NM_003036.4 (MANE Select); coding-DNA position 535, A replaced by C.
Protein change: p.Lys179Gln; replaces lysine 179 with glutamine.
Molecular consequence: missense variant.
Genome position (GRCh38, 1-based): chr1:2,229,301, A>C. VCF-style: chr1-2229301-A-C. GRCh37 (hg19) VCF-style: chr1-2160740-A-C.
Other names: short protein forms K179Q.
Identifiers: ClinVar variation 3604962 (VCV003604962.2).

ClinVar aggregate classification (germline): Uncertain significance (1 of 4 stars; one submission).

Conditions:
Shprintzen-Goldberg syndrome (SGS). Also called: Marfanoid disorder with craniosynostosis type 1; Marfanoid craniosynostosis syndrome; Shprintzen-Goldberg marfanoid syndrome; SHPRINTZEN-GOLDBERG CRANIOSYNOSTOSIS SYNDROME; CRANIOSYNOSTOSIS WITH ARACHNODACTYLY AND ABDOMINAL HERNIAS. Identifiers: Orphanet 2462, MedGen C1321551, MONDO:0008426, OMIM 182212.

gnomAD v4.1: 2 of 1,596,428 alleles (0.00013%); highest among the groups gnomAD compares: Non-Finnish European, 0.00017%; no homozygotes.

Submission:

Labcorp Genetics (formerly Invitae), Labcorp
Classification: Uncertain significance for Shprintzen-Goldberg syndrome. Last evaluated: 2024-09-06. Review status: criteria provided, single submitter. Criteria: Invitae Variant Classification Sherloc (09022015). Collection method: clinical testing. Allele origin: germline.
Comment: This sequence change replaces lysine, which is basic and polar, with glutamine, which is neutral and polar, at codon 179 of the SKI protein (p.Lys179Gln). This variant is not present in population databases (gnomAD no frequency). This variant has not been reported in the literature in individuals affected with SKI-related conditions. Invitae Evidence Modeling of protein sequence and biophysical properties (such as structural, functional, and spatial information, amino acid conservation, physicochemical variation, residue mobility, and thermodynamic stability) has been performed for this missense variant. However, the output from this modeling did not meet the statistical confidence thresholds required to predict the impact of this variant on SKI protein function. In summary, the available evidence is currently insufficient to determine the role of this variant in disease. Therefore, it has been classified as a Variant of Uncertain Significance.